The following is an entry in ClinVar:

ClinVar aggregate classification (germline): Uncertain significance (1 of 4 stars; one submission).

gnomAD v4.1: 2 of 1,613,982 alleles (0.00012%); highest among the groups gnomAD compares: African/African-American, 0.0027%; no homozygotes.

Submission:

Labcorp Genetics (formerly Invitae), Labcorp
Classification: Uncertain significance. Last evaluated: 2025-06-23. Review status: criteria provided, single submitter. Criteria: Invitae Variant Classification Sherloc (09022015). Collection method: clinical testing. Allele origin: germline.
Comment: This sequence change replaces aspartic acid, which is acidic and polar, with asparagine, which is neutral and polar, at codon 176 of the FLNB protein (p.Asp176Asn). This variant is present in population databases (no rsID available, gnomAD 0.01%). This variant has not been reported in the literature in individuals affected with FLNB-related conditions. Invitae Evidence Modeling of protein sequence and biophysical properties (such as structural, functional, and spatial information, amino acid conservation, physicochemical variation, residue mobility, and thermodynamic stability) indicates that this missense variant is not expected to disrupt FLNB protein function with a negative predictive value of 95%. In summary, the available evidence is currently insufficient to determine the role of this variant in disease. Therefore, it has been classified as a Variant of Uncertain Significance.

NM_001457.4(FLNB):c.526G>A (p.Asp176Asn)

Gene: FLNB (filamin B; plus strand). Cytogenetic location: 3p14.3.
Variant type: single nucleotide variant.
Coding change: c.526G>A on transcript NM_001457.4 (MANE Select); coding-DNA position 526, G replaced by A.
Protein change: p.Asp176Asn; replaces aspartic acid 176 with asparagine.
Molecular consequence: missense variant.
Genome position (GRCh38, 1-based): chr3:58,077,279, G>A. VCF-style: chr3-58077279-G-A. GRCh37 (hg19) VCF-style: chr3-58063006-G-A.
Other names: c.526G>A, p.Asp176Asn (NM_001164317.2, NM_001164318.2, NM_001164319.2); short protein forms D176N.
Identifiers: ClinVar variation 4780525 (VCV004780525.1).